The following is an entry in ClinVar:

NM_001267550.2(TTN):c.107915G>T (p.Ser35972Ile)

Genes: TTN-AS1 (TTN antisense RNA 1; plus strand), TTN (titin; minus strand). Cytogenetic location: 2q31.2.
Variant type: single nucleotide variant.
Coding change: c.107915G>T on transcript NM_001267550.2 (MANE Select); coding-DNA position 107915, G replaced by T.
Protein change: p.Ser35972Ile; replaces serine 35972 with isoleucine.
Molecular consequence: missense variant.
Genome position (GRCh38, 1-based): chr2:178,527,073, C>A on the plus strand (G>T on the coding strand, the complement: TTN is on the minus strand). VCF-style: chr2-178527073-C-A. GRCh37 (hg19) VCF-style: chr2-179391800-C-A.
Other names: c.102992G>T, p.Ser34331Ile (NM_001256850.1); c.80720G>T, p.Ser26907Ile (NM_003319.4); c.100211G>T, p.Ser33404Ile (NM_133378.4); c.81095G>T, p.Ser27032Ile (NM_133432.3); c.81296G>T, p.Ser27099Ile (NM_133437.4); c.107915G>T (NM_001267550.1); short protein forms S35972I, S33404I, S34331I, S27032I, S27099I, S26907I.
Identifiers: ClinVar variation 46575 (VCV000046575.42), dbSNP rs397517478, ClinGen allele CA138651.

ClinVar aggregate classification (germline): Conflicting classifications of pathogenicity. Review status: criteria provided, conflicting classifications (1 of 4 stars). 9 submissions from 9 submitters: Uncertain significance (5); Likely benign (4). Last evaluated 2024-12-09.

Conditions:
TTN-related disorder. Also called: TTN-related disorders; TTN-related condition; TTN-related disease.
Cardiovascular phenotype. Identifiers: MedGen CN230736.

Allele frequency attached by ClinVar (database versions not stated): TOPMed 0.00013; ExAC 0.00004; gnomAD exomes 0.00007; gnomAD 0.00012 and 0.00014.
gnomAD v4.1: 128 of 1,613,764 alleles (0.0079%); highest among the groups gnomAD compares: Middle Eastern, 0.23%; no homozygotes.

Submissions (9):

Women's Health and Genetics/Laboratory Corporation of America, LabCorp
Classification: Likely benign. Last evaluated: 2024-12-09. Review status: criteria provided, single submitter. Criteria: LabCorp Variant Classification Summary - May 2015. Collection method: clinical testing. Allele origin: germline.
Comment: Variant summary: TTN c.100211G>T (p.Ser33404Ile) results in a non-conservative amino acid change in the encoded protein sequence. Two of three in-silico tools predict a damaging effect of the variant on protein function. The variant allele was found at a frequency of 8.1e-05 in 1583252 control chromosomes, predominantly at a frequency of 0.0023 within the Ashkenazi Jewish subpopulation in the gnomAD database. The observed variant frequency within Middle Eastern control individuals in the gnomAD database is approximately 5.89 fold of the estimated maximal expected allele frequency for a pathogenic variant in TTN causing Dilated Cardiomyopathy phenotype (0.00039). c.100211G>T has been reported in the literature in at least one individual affected with coronary heart disease (e.g., Guelly_2021). This report does not provide unequivocal conclusions about association of the variant with Dilated Cardiomyopathy. To our knowledge, no experimental evidence demonstrating an impact on protein function has been reported. The following publication was ascertained in the context of this evaluation (PMID: 33552729). ClinVar contains an entry for this variant (Variation ID: 46575). Based on the evidence outlined above, the variant was classified as likely benign.

PreventionGenetics, part of Exact Sciences
Classification: Likely benign for TTN-related condition. Last evaluated: 2024-10-03. Review status: criteria provided, single submitter. Criteria: ACMG Guidelines, 2015. Collection method: clinical testing. Allele origin: germline.
Comment: This variant is classified as likely benign based on ACMG/AMP sequence variant interpretation guidelines (Richards et al. 2015 PMID: 25741868, with internal and published modifications).

Mayo Clinic Laboratories, Mayo Clinic
Classification: Uncertain significance. Last evaluated: 2023-11-27. Review status: criteria provided, single submitter. Criteria: ACMG Guidelines, 2015. Collection method: clinical testing. Allele origin: germline. Observed: 1 variant allele.
Comment: BP4

CeGaT Center for Human Genetics Tuebingen
Classification: Uncertain significance. Last evaluated: 2023-02-01. Review status: criteria provided, single submitter. Criteria: CeGaT Center For Human Genetics Tuebingen Variant Classification Criteria Version 2. Collection method: clinical testing. Allele origin: germline. Affected: yes. Observed: 1 variant allele.
Comment: TTN: PM2, BP4

Athena Diagnostics
Classification: Uncertain significance. Last evaluated: 2022-08-22. Review status: criteria provided, single submitter. Criteria: Athena Diagnostics Criteria. Collection method: clinical testing. Allele origin: unknown.

Revvity Omics, Revvity
Classification: Uncertain significance. Last evaluated: 2022-04-01. Review status: criteria provided, single submitter. Criteria: ACMG Guidelines, 2015. Collection method: clinical testing. Allele origin: germline.

Ambry Genetics
Classification: Likely benign for Cardiovascular phenotype. Last evaluated: 2020-05-27. Review status: criteria provided, single submitter. Criteria: Ambry Variant Classification Scheme 2023. Collection method: clinical testing. Allele origin: germline.

Laboratory for Molecular Medicine, Mass General Brigham Personalized Medicine
Classification: Likely benign. Last evaluated: 2018-12-03. Review status: criteria provided, single submitter. Criteria: LMM Criteria. Collection method: clinical testing. Allele origin: germline. Observed: 4 variant alleles.
Comment: The p.Ser33404Ile variant is classified as likely benign because it has been ide ntified in 0.01% (13/128318) of European chromosomes by gnomAD. Serine (Ser) at position 33404Ile is not conserved in mammals or evolutionarily distant species and 1 mammal (star-nosed mole) carries an iso leucine (Ile) at this position, raising the possibility that this change may be tolerated. Additional computational prediction tools suggest that this variant m ay not impact the protein. ACMG/AMP Criteria applied: BS1_Supporting, BP4.

Eurofins Ntd Llc (ga)
Classification: Uncertain significance. Last evaluated: 2015-12-22. Review status: criteria provided, single submitter. Criteria: EGL Classification Definitions 2015. Collection method: clinical testing. Allele origin: germline. Observed: 1 variant allele.

Literature cited by the submitters: PubMed 33552729 (cited by Women's Health and Genetics/Laboratory Corporation of America, LabCorp).